The following is an entry in ClinVar:

NM_006019.4(TCIRG1):c.1066del (p.Asp356fs)

Gene: TCIRG1 (T cell immune regulator 1, ATPase H+ transporting V0 subunit a3; plus strand). Cytogenetic location: 11q13.2.
Variant type: Deletion.
Coding change: c.1066del on transcript NM_006019.4 (MANE Select); coding-DNA position 1066, one base deleted (G; older notation c.1066delG).
Protein change: p.Asp356fs; shifts the reading frame from aspartic acid 356.
Molecular consequence: frameshift variant.
Genome position (GRCh38, 1-based): chr11:68,045,003, G deleted; the last of 3 consecutive G bases (chr11:68,045,001-68,045,003); deleting any one gives the same sequence. VCF-style (leftmost placement, unchanged base first): chr11-68045000-CG-C. GRCh37 (hg19) VCF-style: chr11-67812467-CG-C.
Other names: c.172del, p.Asp58fs (NM_001351059.2); c.418del, p.Asp140fs (NM_006053.4); short protein forms D140fs, D58fs, D356fs.
Identifiers: ClinVar variation 2058028 (VCV002058028.4), dbSNP rs2495631978, ClinGen allele CA2580084785.

ClinVar aggregate classification (germline): Pathogenic (1 of 4 stars; one submission).

Submission:

Labcorp Genetics (formerly Invitae), Labcorp
Classification: Pathogenic. Last evaluated: 2022-09-13. Review status: criteria provided, single submitter. Criteria: Invitae Variant Classification Sherloc (09022015). Collection method: clinical testing. Allele origin: germline.
Comment: This sequence change creates a premature translational stop signal (p.Asp356Thrfs*47) in the TCIRG1 gene. It is expected to result in an absent or disrupted protein product. Loss-of-function variants in TCIRG1 are known to be pathogenic (PMID: 10888887, 10942435, 11532986, 19448635). For these reasons, this variant has been classified as Pathogenic. This variant has not been reported in the literature in individuals affected with TCIRG1-related conditions. This variant is not present in population databases (gnomAD no frequency).

Literature cited by the submitters: PubMed 10888887; PubMed 10942435; PubMed 11532986; PubMed 19448635.